The following is an entry in ClinVar:

NM_002439.5(MSH3):c.604_607del (p.Gln202fs)

Gene: MSH3 (mutS homolog 3; plus strand). Cytogenetic location: 5q14.1.
Variant type: Microsatellite.
Coding change: c.604_607del on transcript NM_002439.5 (MANE Select); coding-DNA positions 604 to 607, 4 bases deleted (CAGT; older notation c.604_607delCAGT).
Protein change: p.Gln202fs; shifts the reading frame from glutamine 202.
Molecular consequence: frameshift variant.
Genome position (GRCh38, 1-based): chr5:80,670,121-80,670,124, CAGT deleted; deleting any 4 consecutive bases within chr5:80,670,116-80,670,124 gives the same sequence; the c. name uses the placement nearest the transcript's 3' end. VCF-style (leftmost placement, unchanged base first): chr5-80670115-CTCAG-C. GRCh37 (hg19) VCF-style: chr5-79965934-CTCAG-C.
Other names: short protein forms Q202fs.
Identifiers: ClinVar variation 3222306 (VCV003222306.4), dbSNP rs2546721032, ClinGen allele CA2825001435.

ClinVar aggregate classification (germline): Pathogenic. Review status: criteria provided, multiple submitters, no conflicts (2 of 4 stars). 3 submissions from 3 submitters: Pathogenic (3). Last evaluated 2026-02-03.

Conditions:
Hereditary cancer-predisposing syndrome. Also called: Neoplastic Syndromes, Hereditary; Tumor predisposition; Hereditary neoplastic syndrome; Hereditary Cancer Syndrome. Identifiers: Orphanet 140162, MedGen C0027672, MeSH D009386, MONDO:0015356.
Familial adenomatous polyposis 4 (FAP4). Also called: MSH3-related attenuated familial adenomatous polyposis. Identifiers: Orphanet 480536, MedGen C4310719, MONDO:0044300, OMIM 617100.

Submissions (3):

Myriad Genetics, Inc.
Classification: Pathogenic for Familial adenomatous polyposis 4. Last evaluated: 2026-02-03. Review status: criteria provided, single submitter. Criteria: Myriad Autosomal Dominant, Autosomal Recessive and X-Linked Classification Criteria (2023). Collection method: clinical testing. Allele origin: unknown.
Comment: This variant is considered pathogenic. This variant creates a frameshift predicted to result in premature protein truncation.

Labcorp Genetics (formerly Invitae), Labcorp
Classification: Pathogenic. Last evaluated: 2024-06-24. Review status: criteria provided, single submitter. Criteria: Invitae Variant Classification Sherloc (09022015). Collection method: clinical testing. Allele origin: germline.
Comment: This sequence change creates a premature translational stop signal (p.Gln202Leufs*30) in the MSH3 gene. It is expected to result in an absent or disrupted protein product. Loss-of-function variants in MSH3 are known to be pathogenic (PMID: 27476653, 37402566). This variant is not present in population databases (gnomAD no frequency). This variant has not been reported in the literature in individuals affected with MSH3-related conditions. For these reasons, this variant has been classified as Pathogenic.

Ambry Genetics
Classification: Pathogenic for Hereditary cancer-predisposing syndrome. Last evaluated: 2024-02-27. Review status: criteria provided, single submitter. Criteria: Ambry Variant Classification Scheme 2023. Collection method: clinical testing. Allele origin: germline.
Comment: The c.604_607delCAGT pathogenic mutation, located in coding exon 4 of the MSH3 gene, results from a deletion of 4 nucleotides at nucleotide positions 604 to 607, causing a translational frameshift with a predicted alternate stop codon (p.Q202Lfs*30). This alteration is expected to result in loss of function by premature protein truncation or nonsense-mediated mRNA decay. This variant is considered to be rare based on population cohorts in the Genome Aggregation Database (gnomAD). As such, this alteration is interpreted as a disease-causing mutation.

Literature cited by the submitters: PubMed 27476653 (cited by Labcorp Genetics (formerly Invitae), Labcorp); PubMed 37402566 (cited by Labcorp Genetics (formerly Invitae), Labcorp).